The following is an entry in ClinVar:

ClinVar aggregate classification (germline): Uncertain significance (1 of 4 stars; one submission).

Submission:

GeneDx
Classification: Uncertain significance. Last evaluated: 2019-10-10. Review status: criteria provided, single submitter. Criteria: GeneDx Variant Classification Process June 2021. Collection method: clinical testing. Allele origin: germline. Affected: yes.
Comment: Not observed in large population cohorts (Lek et al., 2016); In silico analysis, which includes protein predictors and evolutionary conservation, supports that this variant does not alter protein structure/function; Has not been previously published as pathogenic or benign to our knowledge

NM_001170629.2(CHD8):c.320A>G (p.Gln107Arg)

Gene: CHD8 (chromodomain helicase DNA binding protein 8; minus strand). Cytogenetic location: 14q11.2.
Variant type: single nucleotide variant.
Coding change: c.320A>G on transcript NM_001170629.2 (MANE Select); coding-DNA position 320, A replaced by G.
Protein change: p.Gln107Arg; replaces glutamine 107 with arginine.
Molecular consequence: missense variant. On other transcripts: intron variant (1).
Genome position (GRCh38, 1-based): chr14:21,431,324, T>C on the plus strand (A>G on the coding strand, the complement: CHD8 is on the minus strand). VCF-style: chr14-21431324-T-C. GRCh37 (hg19) VCF-style: chr14-21899483-T-C.
Other names: c.6+487A>G (NM_020920.4); short protein forms Q107R.
Identifiers: ClinVar variation 1309051 (VCV001309051.2), dbSNP rs2139540187, ClinGen allele CA388889500.